The following is an entry in ClinVar:

ClinVar aggregate classification (germline): Uncertain significance (1 of 4 stars; one submission).

Submission:

GeneDx
Classification: Uncertain significance. Last evaluated: 2026-02-07. Review status: criteria provided, single submitter. Criteria: GeneDx Variant Classification Process June 2021. Collection method: clinical testing. Allele origin: germline.
Comment: Not observed at significant frequency in large population cohorts (gnomAD); In silico analysis supports a deleterious effect on splicing; In silico analysis suggests that this missense variant does not alter protein structure/function; Has not been previously published as pathogenic or benign to our knowledge

NM_003590.5(CUL3):c.263A>G (p.Lys88Arg)

Gene: CUL3 (cullin 3; minus strand). Cytogenetic location: 2q36.2.
Variant type: single nucleotide variant.
Coding change: c.263A>G on transcript NM_003590.5 (MANE Select); coding-DNA position 263, A replaced by G.
Protein change: p.Lys88Arg; replaces lysine 88 with arginine.
Molecular consequence: missense variant. On other transcripts: intron variant (1).
Genome position (GRCh38, 1-based): chr2:224,557,660, T>C on the plus strand (A>G on the coding strand, the complement: CUL3 is on the minus strand). VCF-style: chr2-224557660-T-C. GRCh37 (hg19) VCF-style: chr2-225422377-T-C.
Other names: c.281A>G, p.Lys94Arg (NM_001257198.2); c.67-22019A>G (NM_001257197.2); short protein forms K88R, K94R.
Identifiers: ClinVar variation 4976063 (VCV004976063.1).